The following is an entry in ClinVar:

NM_003190.5(TAPBP):c.870A>C (p.Lys290Asn)

Gene: TAPBP (TAP binding protein; minus strand). Cytogenetic location: 6p21.32.
Variant type: single nucleotide variant.
Coding change: c.870A>C on transcript NM_003190.5 (MANE Select); coding-DNA position 870, A replaced by C.
Protein change: p.Lys290Asn; replaces lysine 290 with asparagine.
Molecular consequence: missense variant.
Genome position (GRCh38, 1-based): chr6:33,304,637, T>G on the plus strand (A>C on the coding strand, the complement: TAPBP is on the minus strand). VCF-style: chr6-33304637-T-G. GRCh37 (hg19) VCF-style: chr6-33272414-T-G.
Other names: c.870A>C, p.Lys290Asn (NM_001410875.1, NM_172208.3); c.609A>C, p.Lys203Asn (NM_172209.3); short protein forms K203N, K290N.
Identifiers: ClinVar variation 2000970 (VCV002000970.4), dbSNP rs2536719400, ClinGen allele CA363690025.

ClinVar aggregate classification (germline): Uncertain significance (1 of 4 stars; one submission).

Conditions:
MHC class I deficiency. Identifiers: Orphanet 34592, MedGen C6024714, MONDO:0011476.

Submission:

Labcorp Genetics (formerly Invitae), Labcorp
Classification: Uncertain significance for MHC class I deficiency 1. Last evaluated: 2022-05-30. Review status: criteria provided, single submitter. Criteria: Invitae Variant Classification Sherloc (09022015). Collection method: clinical testing. Allele origin: germline.
Comment: In summary, the available evidence is currently insufficient to determine the role of this variant in disease. Therefore, it has been classified as a Variant of Uncertain Significance. Algorithms developed to predict the effect of missense changes on protein structure and function are either unavailable or do not agree on the potential impact of this missense change (SIFT: "Tolerated"; PolyPhen-2: "Possibly Damaging"; Align-GVGD: "Class C0"). This variant has not been reported in the literature in individuals affected with TAPBP-related conditions. This variant is not present in population databases (gnomAD no frequency). This sequence change replaces lysine, which is basic and polar, with asparagine, which is neutral and polar, at codon 290 of the TAPBP protein (p.Lys290Asn).